The following is an entry in ClinVar:

NM_001754.5(RUNX1):c.1172C>A (p.Ala391Glu)

Gene: RUNX1 (RUNX family transcription factor 1; minus strand). Cytogenetic location: 21q22.12.
Variant type: single nucleotide variant.
Coding change: c.1172C>A on transcript NM_001754.5 (MANE Select); coding-DNA position 1172, C replaced by A.
Protein change: p.Ala391Glu; replaces alanine 391 with glutamic acid.
Molecular consequence: missense variant.
Genome position (GRCh38, 1-based): chr21:34,792,406, G>T on the plus strand (C>A on the coding strand, the complement: RUNX1 is on the minus strand). VCF-style: chr21-34792406-G-T. GRCh37 (hg19) VCF-style: chr21-36164703-G-T.
Other names: NM_001754.5(RUNX1):c.1172C>A; p.Ala391Glu; c.1091C>A, p.Ala364Glu (NM_001001890.3); short protein forms A364E, A391E.
Identifiers: ClinVar variation 850021 (VCV000850021.10), dbSNP rs1386664717, ClinGen allele CA410147875.

ClinVar aggregate classification (germline): Uncertain significance. Review status: reviewed by expert panel (3 of 4 stars). 2 submissions from 2 submitters: Uncertain significance (1). 1 of the submissions does not count toward it. Last evaluated 2025-01-15.

Conditions:
Hereditary thrombocytopenia and hematologic cancer predisposition syndrome. Identifiers: Orphanet 71290, MedGen CN281654, MONDO:0011071.
Hereditary thrombocytopenia and hematological cancer predisposition syndrome associated with RUNX1. Also called: RUNX1 Familial Platelet Disorder with Associated Myeloid Malignancies; PLATELET DISORDER, ASPIRIN-LIKE; Familial Platelet Disorder with Propensity to Acute Myelogenous Leukemia; Familial thrombocytopenia with propensity to acute myelogenous leukemia. Identifiers: Orphanet 71290, MedGen C1832388, MeSH C563324, MONDO:0100083, OMIM 601399.

Submissions (2):

ClinGen Myeloid Malignancy Variant Curation Expert Panel
Classification: Uncertain significance for Hereditary thrombocytopenia and hematologic cancer predisposition syndrome. Last evaluated: 2025-01-15. Review status: reviewed by expert panel. Criteria: ClinGen MyeloMalig ACMG Specifications v2. Collection method: curation. Allele origin: germline. Inheritance: Autosomal dominant inheritance.
Comment: NM_001754.5(RUNX1):c.1172C>A (p.Ala391Glu) is a missense variant which has a REVEL score < 0.50 (0.032), and a SpliceAI score ≤ 0.20 (0.0) (BP4). This variant is completely absent from all population databases with at least 20x coverage for RUNX1 (PM2_Supporting). In summary, the clinical significance of this variant is uncertain. ACMG/AMP criteria applied, as specified by the Myeloid Malignancy Variant Curation Expert Panel for RUNX1: BP4, PM2_supporting.

Labcorp Genetics (formerly Invitae), Labcorp
Classification: Uncertain significance for Hereditary thrombocytopenia and hematological cancer predisposition syndrome associated with RUNX1. Last evaluated: 2019-12-11. Review status: criteria provided, single submitter. Criteria: Invitae Variant Classification Sherloc (09022015). Collection method: clinical testing. Allele origin: germline. Not counted in ClinVar's aggregate classification.
Comment: In summary, the available evidence is currently insufficient to determine the role of this variant in disease. Therefore, it has been classified as a Variant of Uncertain Significance. Algorithms developed to predict the effect of missense changes on protein structure and function are either unavailable or do not agree on the potential impact of this missense change (SIFT: "Deleterious"; PolyPhen-2: "Benign"; Align-GVGD: "Class C0"). This variant has not been reported in the literature in individuals with RUNX1-related conditions. This variant is not present in population databases (ExAC no frequency). This sequence change replaces alanine with glutamic acid at codon 391 of the RUNX1 protein (p.Ala391Glu). The alanine residue is moderately conserved and there is a moderate physicochemical difference between alanine and glutamic acid.